The following is an entry in ClinVar:

ClinVar aggregate classification (germline): Uncertain significance. Review status: criteria provided, single submitter (1 of 4 stars). 2 submissions from 2 submitters: Uncertain significance (1). 1 of the submissions does not count toward it. Last evaluated 2022-10-05.

Conditions:
Idiopathic Pulmonary Fibrosis. Also called: Idiopathic fibrosing alveolitis, chronic form; idiopathic fibrosing alveolitis. Identifiers: Orphanet 2032, MedGen C1800706, MeSH D054990, MONDO:0800504.
Dyskeratosis congenita, autosomal dominant 2. Identifiers: MedGen C3151443, MONDO:0013521, OMIM 613989.
Pulmonary fibrosis. Identifiers: MedGen C0034069, MONDO:0002771, HP:0002206.

gnomAD v4.1: 1 of 1,433,790 alleles (0.00007%); no homozygotes.

Submissions (2):

Labcorp Genetics (formerly Invitae), Labcorp
Classification: Uncertain significance for Dyskeratosis congenita, autosomal dominant 2; Idiopathic Pulmonary Fibrosis. Last evaluated: 2022-10-05. Review status: criteria provided, single submitter. Criteria: Invitae Variant Classification Sherloc (09022015). Collection method: clinical testing. Allele origin: germline.
Comment: This sequence change replaces valine, which is neutral and non-polar, with glycine, which is neutral and non-polar, at codon 28 of the TERT protein (p.Val28Gly). In summary, the available evidence is currently insufficient to determine the role of this variant in disease. Therefore, it has been classified as a Variant of Uncertain Significance. Experimental studies have shown that this missense change affects TERT function (PMID: 21931702). Advanced modeling of protein sequence and biophysical properties (such as structural, functional, and spatial information, amino acid conservation, physicochemical variation, residue mobility, and thermodynamic stability) performed at Invitae indicates that this missense variant is expected to disrupt TERT protein function. ClinVar contains an entry for this variant (Variation ID: 567981). This missense change has been observed in individual(s) with aplastic anaemia and myelodysplastic syndrome (PMID: 21931702). This variant is not present in population databases (gnomAD no frequency).

Garcia Pulmonary Genetics Research Laboratory, Columbia University Irving Medical Center
Classification: Likely risk allele for Pulmonary fibrosis. Last evaluated: 2022-06-09. Review status: no assertion criteria provided. Collection method: research. Allele origin: germline. Affected: yes. Not counted in ClinVar's aggregate classification.
Comment: Leukocyte telomere length (by qPCR) less than 10th percentile age-adjusted

Literature cited by the submitters: PubMed 21931702 (cited by Labcorp Genetics (formerly Invitae), Labcorp).

NM_198253.3(TERT):c.83T>G (p.Val28Gly)

Genes: TERT (telomerase reverse transcriptase; minus strand), LOC110806263 (TERT 5' regulatory region; plus strand). Cytogenetic location: 5p15.33.
Variant type: single nucleotide variant.
Coding change: c.83T>G on transcript NM_198253.3 (MANE Select); coding-DNA position 83, T replaced by G.
Protein change: p.Val28Gly; replaces valine 28 with glycine.
Molecular consequence: missense variant. On other transcripts: non-coding transcript variant (2).
Genome position (GRCh38, 1-based): chr5:1,294,907, A>C on the plus strand (T>G on the coding strand, the complement: TERT is on the minus strand). VCF-style: chr5-1294907-A-C. GRCh37 (hg19) VCF-style: chr5-1295022-A-C.
Other names: p.Val28Gly; c.83T>G, p.Val28Gly (NM_001193376.3); short protein forms V28G.
Identifiers: ClinVar variation 567981 (VCV000567981.34), dbSNP rs1561215157, ClinGen allele CA359059472.